The following is an entry in ClinVar:

NM_020921.4(NIN):c.1160G>A (p.Arg387Gln)

Gene: NIN (ninein; minus strand). Cytogenetic location: 14q22.1.
Variant type: single nucleotide variant.
Coding change: c.1160G>A on transcript NM_020921.4 (MANE Select); coding-DNA position 1160, G replaced by A.
Protein change: p.Arg387Gln; replaces arginine 387 with glutamine.
Molecular consequence: missense variant.
Genome position (GRCh38, 1-based): chr14:50,770,951, C>T on the plus strand (G>A on the coding strand, the complement: NIN is on the minus strand). VCF-style: chr14-50770951-C-T. GRCh37 (hg19) VCF-style: chr14-51237669-C-T.
Other names: c.1160G>A (NM_020921.3); c.1160G>A, p.Arg387Gln (NM_016350.5, NM_182944.3, NM_182946.2); short protein forms R387Q.
Identifiers: ClinVar variation 1946013 (VCV001946013.6), dbSNP rs768109226, ClinGen allele CA7182267.

ClinVar aggregate classification (germline): Uncertain significance. Review status: criteria provided, multiple submitters, no conflicts (2 of 4 stars). 2 submissions from 2 submitters: Uncertain significance (2). Last evaluated 2025-07-31.

Allele frequency attached by ClinVar (database versions not stated): gnomAD exomes below 0.00001; TOPMed below 0.00001; ExAC 0.00001; gnomAD 0.00001.
gnomAD v4.1: 8 of 1,614,068 alleles (0.0005%); highest among the groups gnomAD compares: Non-Finnish European, 0.00059%; no homozygotes.

Submissions (2):

Ambry Genetics
Classification: Uncertain significance. Last evaluated: 2025-07-31. Review status: criteria provided, single submitter. Criteria: Ambry Variant Classification Scheme 2023. Collection method: clinical testing. Allele origin: germline.

Labcorp Genetics (formerly Invitae), Labcorp
Classification: Uncertain significance. Last evaluated: 2023-11-21. Review status: criteria provided, single submitter. Criteria: Invitae Variant Classification Sherloc (09022015). Collection method: clinical testing. Allele origin: germline.
Comment: This sequence change replaces arginine, which is basic and polar, with glutamine, which is neutral and polar, at codon 387 of the NIN protein (p.Arg387Gln). This variant is present in population databases (rs768109226, gnomAD 0.0009%). This variant has not been reported in the literature in individuals affected with NIN-related conditions. ClinVar contains an entry for this variant (Variation ID: 1946013). Algorithms developed to predict the effect of missense changes on protein structure and function output the following: SIFT: "Not Available"; PolyPhen-2: "Possibly Damaging"; Align-GVGD: "Not Available". The glutamine amino acid residue is found in multiple mammalian species, which suggests that this missense change does not adversely affect protein function. In summary, the available evidence is currently insufficient to determine the role of this variant in disease. Therefore, it has been classified as a Variant of Uncertain Significance.